The following is an entry in ClinVar:

NM_000343.4(SLC5A1):c.83A>G (p.Asp28Gly)

Gene: SLC5A1 (solute carrier family 5 member 1; plus strand). Cytogenetic location: 22q12.3.
Variant type: single nucleotide variant.
Coding change: c.83A>G on transcript NM_000343.4 (MANE Select); coding-DNA position 83, A replaced by G.
Protein change: p.Asp28Gly; replaces aspartic acid 28 with glycine.
Molecular consequence: missense variant.
Genome position (GRCh38, 1-based): chr22:32,043,364, A>G. VCF-style: chr22-32043364-A-G. GRCh37 (hg19) VCF-style: chr22-32439351-A-G.
Other names: short protein forms D28G.
Identifiers: ClinVar variation 12908 (VCV000012908.9), dbSNP rs121912669, ClinGen allele CA122782.

ClinVar aggregate classification (germline): Uncertain significance. Review status: criteria provided, single submitter (1 of 4 stars). 2 submissions from 2 submitters: Uncertain significance (1). 1 of the submissions does not count toward it. Last evaluated 2021-08-16.

Conditions:
Congenital glucose-galactose malabsorption (GGM). Also called: DIARRHEA 16; MONOSACCHARIDE MALABSORPTION. Identifiers: Orphanet 35710, MedGen C0268186, MONDO:0011731, OMIM 606824.

Allele frequency attached by ClinVar (database versions not stated): gnomAD exomes below 0.00001; ExAC 0.00001; gnomAD 0.00001.
gnomAD v4.1: 8 of 1,614,068 alleles (0.0005%); highest among the groups gnomAD compares: Middle Eastern, 0.016%; no homozygotes.

Submissions (2):

Labcorp Genetics (formerly Invitae), Labcorp
Classification: Uncertain significance for Congenital glucose-galactose malabsorption. Last evaluated: 2021-08-16. Review status: criteria provided, single submitter. Criteria: Invitae Variant Classification Sherloc (09022015). Collection method: clinical testing. Allele origin: germline.
Comment: This sequence change replaces aspartic acid with glycine at codon 28 of the SLC5A1 protein (p.Asp28Gly). The aspartic acid residue is highly conserved and there is a moderate physicochemical difference between aspartic acid and glycine. This variant is present in population databases (rs121912669, ExAC 0.006%). This missense change has been observed in individuals with glucose-galactose malabsorption (PMID: 8563765, 17903058). ClinVar contains an entry for this variant (Variation ID: 12908). Algorithms developed to predict the effect of missense changes on protein structure and function are either unavailable or do not agree on the potential impact of this missense change (SIFT: "Deleterious"; PolyPhen-2: "Possibly Damaging"; Align-GVGD: "Class C0"). Algorithms developed to predict the effect of sequence changes on RNA splicing suggest that this variant may create or strengthen a splice site. This variant disrupts the p.Asp28 amino acid residue in SLC5A1. Other variant(s) that disrupt this residue have been observed in individuals with SLC5A1-related conditions (PMID: 2008213), which suggests that this may be a clinically significant amino acid residue. In summary, the available evidence is currently insufficient to determine the role of this variant in disease. Therefore, it has been classified as a Variant of Uncertain Significance.

OMIM
Classification: Pathogenic for GLUCOSE/GALACTOSE MALABSORPTION. Last evaluated: 2021-07-19. Review status: no assertion criteria provided. Collection method: literature only. Allele origin: germline. Not counted in ClinVar's aggregate classification.

Literature cited by the submitters: PubMed 8563765 (cited by Labcorp Genetics (formerly Invitae), Labcorp); PubMed 17903058 (cited by Labcorp Genetics (formerly Invitae), Labcorp); PubMed 2008213 (cited by Labcorp Genetics (formerly Invitae), Labcorp); PubMed 9309206 (cited by OMIM).